The following is an entry in ClinVar:

NM_001963.6(EGF):c.68C>T (p.Pro23Leu)

Gene: EGF (epidermal growth factor; plus strand). Cytogenetic location: 4q25.
Variant type: single nucleotide variant.
Coding change: c.68C>T on transcript NM_001963.6 (MANE Select); coding-DNA position 68, C replaced by T.
Protein change: p.Pro23Leu; replaces proline 23 with leucine.
Molecular consequence: missense variant.
Genome position (GRCh38, 1-based): chr4:109,913,403, C>T. VCF-style: chr4-109913403-C-T. GRCh37 (hg19) VCF-style: chr4-110834559-C-T.
Other names: c.68C>T, p.Pro23Leu (NM_001178130.3, NM_001178131.3, NM_001357021.2); short protein forms P23L.
Identifiers: ClinVar variation 4739191 (VCV004739191.1).

ClinVar aggregate classification (germline): Uncertain significance (1 of 4 stars; one submission).

gnomAD v4.1: 73 of 1,613,796 alleles (0.0045%); highest among the groups gnomAD compares: Non-Finnish European, 0.006%; no homozygotes.

Submission:

Labcorp Genetics (formerly Invitae), Labcorp
Classification: Uncertain significance. Last evaluated: 2025-08-23. Review status: criteria provided, single submitter. Criteria: Invitae Variant Classification Sherloc (09022015). Collection method: clinical testing. Allele origin: germline.
Comment: This sequence change replaces proline, which is neutral and non-polar, with leucine, which is neutral and non-polar, at codon 23 of the EGF protein (p.Pro23Leu). This variant is present in population databases (rs574081002, gnomAD 0.01%). This variant has not been reported in the literature in individuals affected with EGF-related conditions. An algorithm developed to predict the effect of missense changes on protein structure and function outputs the following: PolyPhen-2: "Benign". The leucine amino acid residue is found in multiple mammalian species, which suggests that this missense change does not adversely affect protein function. In summary, the available evidence is currently insufficient to determine the role of this variant in disease. Therefore, it has been classified as a Variant of Uncertain Significance.